The following is an entry in ClinVar:

NM_014334.4(FRRS1L):c.126C>A (p.Pro42=)

Gene: FRRS1L (ferric chelate reductase 1 like; minus strand). Cytogenetic location: 9q31.3.
Variant type: single nucleotide variant.
Coding change: c.126C>A on transcript NM_014334.4 (MANE Select); coding-DNA position 126, C replaced by A.
Protein change: p.Pro42=; no amino-acid change (proline 42 retained).
Molecular consequence: synonymous variant.
Genome position (GRCh38, 1-based): chr9:109,167,013, G>T on the plus strand (C>A on the coding strand, the complement: FRRS1L is on the minus strand). VCF-style: chr9-109167013-G-T. GRCh37 (hg19) VCF-style: chr9-111929293-G-T.
Other names: p.Pro93=; c.279C>A (NM_014334.3).
Identifiers: ClinVar variation 476300 (VCV000476300.19), dbSNP rs1425779857, ClinGen allele CA466668023.

ClinVar aggregate classification (germline): Likely benign. Review status: criteria provided, multiple submitters, no conflicts (2 of 4 stars). 4 submissions from 4 submitters: Likely benign (4). Last evaluated 2026-02-02.

Conditions:
Developmental and epileptic encephalopathy, 37 (DEE37). Also called: Epileptic encephalopathy, early infantile, 37. Identifiers: MedGen C4310770, MONDO:0014859, OMIM 616981.

Allele frequency attached by ClinVar (database versions not stated): gnomAD exomes 0.00001 and 0.00129; gnomAD 0.00003 and 0.00004; TOPMed 0.00018.
gnomAD v4.1: 17 of 1,230,162 alleles (0.0014%); highest among the groups gnomAD compares: Admixed American, 0.068%; no homozygotes.

Submissions (4):

Labcorp Genetics (formerly Invitae), Labcorp
Classification: Likely benign for Developmental and epileptic encephalopathy, 37. Last evaluated: 2026-02-02. Review status: criteria provided, single submitter. Criteria: Invitae Variant Classification Sherloc (09022015). Collection method: clinical testing. Allele origin: germline.

CeGaT Center for Human Genetics Tuebingen
Classification: Likely benign. Last evaluated: 2026-02-01. Review status: criteria provided, single submitter. Criteria: CeGaT Center For Human Genetics Tuebingen Variant Classification Criteria Version 2. Collection method: clinical testing. Allele origin: germline. Affected: yes. Observed: 1 variant allele.
Comment: FRRS1L: BP4, BP7

Mayo Clinic Laboratories, Mayo Clinic
Classification: Likely benign. Last evaluated: 2025-09-25. Review status: criteria provided, single submitter. Criteria: ACMG Guidelines, 2015. Collection method: clinical testing. Allele origin: germline. Observed: 1 variant allele.
Comment: BP4, BP7

GeneDx
Classification: Likely benign. Last evaluated: 2021-03-18. Review status: criteria provided, single submitter. Criteria: GeneDx Variant Classification Process June 2021. Collection method: clinical testing. Allele origin: germline. Affected: yes.